The following is an entry in ClinVar:

ClinVar aggregate classification (germline): Conflicting classifications of pathogenicity. Review status: criteria provided, conflicting classifications (1 of 4 stars). 6 submissions from 2 submitters: Uncertain significance (4); Benign (2). Last evaluated 2023-09-01.

Conditions:
Early-onset myopathy with fatal cardiomyopathy (CMYO5). Also called: CONGENITAL MYOPATHY 5 WITH CARDIOMYOPATHY; Salih Myopathy. Identifiers: Orphanet 289377, MedGen C2673677, MONDO:0012714, OMIM 611705. Disease mechanism: loss of function.
Myopathy, myofibrillar, 9, with early respiratory failure (MFM9). Also called: EDSTROM MYOPATHY; MYOPATHY, PROXIMAL, WITH EARLY RESPIRATORY MUSCLE INVOLVEMENT; Myopathy, distal, with early respiratory failure, autosomal dominant; Hereditary myopathy with early respiratory failure. Identifiers: Orphanet 178464, Orphanet 34521, MedGen C1863599, MONDO:0011362, OMIM 603689.
Autosomal recessive limb-girdle muscular dystrophy type 2J (LGMDR10). Also called: Limb-girdle muscular dystrophy, type 2J; MUSCULAR DYSTROPHY, LIMB-GIRDLE, AUTOSOMAL RECESSIVE 10. Identifiers: Orphanet 140922, MedGen C1837342, MONDO:0012127, OMIM 608807.
Dilated cardiomyopathy 1G (CMD1G). Identifiers: Orphanet 154, MedGen C1858763, MONDO:0011400, OMIM 604145.
Tibial muscular dystrophy (TMD). Also called: Tibial muscular dystrophy, tardive; UDD MYOPATHY; Udd Distal Myopathy – Tibial Muscular Dystrophy. Identifiers: Orphanet 609, MedGen C1838244, MONDO:0010870, OMIM 600334.

Allele frequency attached by ClinVar (database versions not stated): gnomAD exomes below 0.00001 and 0.00001; TOPMed below 0.00001; ExAC 0.00002.
gnomAD v4.1: 5 of 1,612,848 alleles (0.00031%); highest among the groups gnomAD compares: East Asian, 0.0067%; no homozygotes.

Submissions (6):

Revvity Omics, Revvity
Classification: Uncertain significance. Last evaluated: 2023-09-01. Review status: criteria provided, single submitter. Criteria: ACMG Guidelines, 2015. Collection method: clinical testing. Allele origin: germline.

Illumina Laboratory Services, Illumina
Classification: Benign for Myopathy, myofibrillar, 9, with early respiratory failure. Last evaluated: 2018-01-12. Review status: criteria provided, single submitter. Criteria: ICSL Variant Classification Criteria 13 December 2019. Collection method: clinical testing. Allele origin: germline.
Comment: This variant was observed in the ICSL laboratory as part of a predisposition screen in an ostensibly healthy population. It had not been previously curated by ICSL or reported in the Human Gene Mutation Database (HGMD: prior to June 1st, 2018), and was therefore a candidate for classification through an automated scoring system. Utilizing variant allele frequency, disease prevalence and penetrance estimates, and inheritance mode, an automated score was calculated to assess if this variant is too frequent to cause the disease. Based on the score and internal cut-off values, a variant classified as benign is not then subjected to further curation. The score for this variant resulted in a classification of benign for this disease.

Illumina Laboratory Services, Illumina
Classification: Uncertain significance for Dilated cardiomyopathy 1G. Last evaluated: 2018-01-12. Review status: criteria provided, single submitter. Criteria: ICSL Variant Classification Criteria 13 December 2019. Collection method: clinical testing. Allele origin: germline.

Illumina Laboratory Services, Illumina
Classification: Benign for Tibial muscular dystrophy. Last evaluated: 2018-01-12. Review status: criteria provided, single submitter. Criteria: ICSL Variant Classification Criteria 13 December 2019. Collection method: clinical testing. Allele origin: germline.
Comment: the same text as in the submission from Illumina Laboratory Services, Illumina above.

Illumina Laboratory Services, Illumina
Classification: Uncertain significance for Autosomal recessive limb-girdle muscular dystrophy type 2J. Last evaluated: 2018-01-12. Review status: criteria provided, single submitter. Criteria: ICSL Variant Classification Criteria 13 December 2019. Collection method: clinical testing. Allele origin: germline.

Illumina Laboratory Services, Illumina
Classification: Uncertain significance for Early-onset myopathy with fatal cardiomyopathy. Last evaluated: 2018-01-12. Review status: criteria provided, single submitter. Criteria: ICSL Variant Classification Criteria 13 December 2019. Collection method: clinical testing. Allele origin: germline.

NM_001267550.2(TTN):c.26753A>G (p.Gln8918Arg)

Gene: TTN (titin; minus strand). Cytogenetic location: 2q31.2.
Variant type: single nucleotide variant.
Coding change: c.26753A>G on transcript NM_001267550.2 (MANE Select); coding-DNA position 26753, A replaced by G.
Protein change: p.Gln8918Arg; replaces glutamine 8918 with arginine.
Molecular consequence: missense variant. On other transcripts: intron variant (3).
Genome position (GRCh38, 1-based): chr2:178,713,905, T>C on the plus strand (A>G on the coding strand, the complement: TTN is on the minus strand). VCF-style: chr2-178713905-T-C. GRCh37 (hg19) VCF-style: chr2-179578632-T-C.
Other names: c.25802A>G, p.Gln8601Arg (NM_001256850.1); c.23021A>G, p.Gln7674Arg (NM_133378.4); c.13282+24177A>G (NM_003319.4); c.13858+24177A>G (NM_133437.4); c.13657+24177A>G (NM_133432.3); short protein forms Q8601R, Q8918R, Q7674R.
Identifiers: ClinVar variation 893376 (VCV000893376.5), dbSNP rs760040495, ClinGen allele CA1999947.